The following is an entry in ClinVar:

NM_001142800.2(EYS):c.8723A>C (p.Asn2908Thr)

Genes: EYS (EGF-like photoreceptor maintenance factor; minus strand), PHF3 (PHD finger protein 3; plus strand). Cytogenetic location: 6q12.
Variant type: single nucleotide variant.
Coding change: c.8723A>C on transcript NM_001142800.2 (MANE Select); coding-DNA position 8723, A replaced by C.
Protein change: p.Asn2908Thr; replaces asparagine 2908 with threonine.
Molecular consequence: missense variant. On other transcripts: 3 prime UTR variant (5).
Genome position (GRCh38, 1-based): chr6:63,721,308, T>G on the plus strand (A>C on the coding strand, the complement: EYS is on the minus strand). VCF-style: chr6-63721308-T-G. GRCh37 (hg19) VCF-style: chr6-64431204-T-G.
Other names: c.*7600T>G (NM_001290259.2, NM_001370348.2, NM_001370349.2 and 2 more transcripts); c.8786A>C, p.Asn2929Thr (NM_001292009.2); c.8723A>C (NM_001142800.1); short protein forms N2929T, N2908T.
Identifiers: ClinVar variation 2122020 (VCV002122020.2), dbSNP rs761809527, ClinGen allele CA364384122.

ClinVar aggregate classification (germline): Uncertain significance. Review status: criteria provided, multiple submitters, no conflicts (2 of 4 stars). 2 submissions from 2 submitters: Uncertain significance (2). Last evaluated 2026-03-12.

Conditions:
Inborn genetic diseases. Identifiers: MedGen C0950123, MeSH D030342.

gnomAD v4.1: 1 of 1,552,006 alleles (0.000064%); highest among the groups gnomAD compares: Non-Finnish European, 0.000087%; no homozygotes.

Submissions (2):

Ambry Genetics
Classification: Uncertain significance for Inborn genetic diseases. Last evaluated: 2026-03-12. Review status: criteria provided, single submitter. Criteria: Ambry Variant Classification Scheme 2023. Collection method: clinical testing. Allele origin: germline.

Labcorp Genetics (formerly Invitae), Labcorp
Classification: Uncertain significance. Last evaluated: 2022-04-06. Review status: criteria provided, single submitter. Criteria: Invitae Variant Classification Sherloc (09022015). Collection method: clinical testing. Allele origin: germline.
Comment: This sequence change replaces asparagine, which is neutral and polar, with threonine, which is neutral and polar, at codon 2908 of the EYS protein (p.Asn2908Thr). This variant is present in population databases (no rsID available, gnomAD 0.002%). This variant has not been reported in the literature in individuals affected with EYS-related conditions. Algorithms developed to predict the effect of missense changes on protein structure and function output the following: SIFT: "Tolerated"; PolyPhen-2: "Possibly Damaging"; Align-GVGD: "Class C0". The threonine amino acid residue is found in multiple mammalian species, which suggests that this missense change does not adversely affect protein function. In summary, the available evidence is currently insufficient to determine the role of this variant in disease. Therefore, it has been classified as a Variant of Uncertain Significance.